The following is an entry in ClinVar:

ClinVar aggregate classification (germline): Likely benign. Review status: criteria provided, multiple submitters, no conflicts (2 of 4 stars). 2 submissions from 2 submitters: Likely benign (2). Last evaluated 2016-09-03.

Allele frequency attached by ClinVar (database versions not stated): gnomAD exomes 0.00018; ExAC 0.00022; TOPMed 0.00022; gnomAD 0.00064.
gnomAD v4.1: 258 of 1,459,998 alleles (0.018%); highest among the groups gnomAD compares: Non-Finnish European, 0.022%; no homozygotes.

Submissions (2):

GeneDx
Classification: Likely benign. Last evaluated: 2016-09-03. Review status: criteria provided, single submitter. Criteria: GeneDx Variant Classification (06012015). Collection method: clinical testing. Allele origin: germline. Affected: yes.
Comment: This variant is considered likely benign or benign based on one or more of the following criteria: it is a conservative change, it occurs at a poorly conserved position in the protein, it is predicted to be benign by multiple in silico algorithms, and/or has population frequency not consistent with disease.

Breakthrough Genomics
Classification: Likely benign. Review status: criteria provided, single submitter. Criteria: ACMG Guidelines, 2015. Collection method: not provided. Allele origin: germline. Inheritance: Autosomal recessive inheritance. Affected: yes.

NM_004287.5(GOSR2):c.-29C>T

Genes: GOSR2 (golgi SNAP receptor complex member 2; plus strand), LRRC37A2 (leucine rich repeat containing 37 member A2). Cytogenetic location: 17q21.32.
Variant type: single nucleotide variant.
Coding change: c.-29C>T on transcript NM_004287.5 (MANE Select); 29 bases upstream of the start codon, C replaced by T.
Molecular consequence: 5 prime UTR variant. On other transcripts: non-coding transcript variant (3).
Genome position (GRCh38, 1-based): chr17:46,923,164, C>T. VCF-style: chr17-46923164-C-T. GRCh37 (hg19) VCF-style: chr17-45000530-C-T.
Other names: c.-29C>T (NM_001012511.3, NM_001321133.2, NM_001330252.2 and 4 more transcripts); c.-131C>T (NM_001321134.2); c.-494C>T (NM_001363851.2).
Identifiers: ClinVar variation 377927 (VCV000377927.2), dbSNP rs769918763, ClinGen allele CA8621086.